The following is an entry in ClinVar:

NM_001278716.2(FBXL4):c.1297C>T (p.Leu433Phe)

Gene: FBXL4 (F-box and leucine rich repeat protein 4; minus strand). Cytogenetic location: 6q16.1.
Variant type: single nucleotide variant.
Coding change: c.1297C>T on transcript NM_001278716.2 (MANE Select); coding-DNA position 1297, C replaced by T.
Protein change: p.Leu433Phe; replaces leucine 433 with phenylalanine.
Molecular consequence: missense variant. On other transcripts: non-coding transcript variant (2).
Genome position (GRCh38, 1-based): chr6:98,899,288, G>A on the plus strand (C>T on the coding strand, the complement: FBXL4 is on the minus strand). VCF-style: chr6-98899288-G-A. GRCh37 (hg19) VCF-style: chr6-99347164-G-A.
Other names: c.1297C>T, p.Leu433Phe (NM_012160.5); short protein forms L433F.
Identifiers: ClinVar variation 1509381 (VCV001509381.8), dbSNP rs1273843469, ClinGen allele CA16021106.
Genomic context (GRCh38, chr6:98,899,288, plus strand): 5'-TACCATAATAGCAATGATGAAAATTATGAATTACTCTCACCTCTACTTTTGTTCGATAGA[G>A]AACAAGTCGTTTAAGGCTGCATAACTTGGCAATGTGGTTGAAAGCTTGAGGTGGTAGCTT-3'
Protein context (NP_001265645.1, residues 423-443): AKLCSLKRLV[Leu433Phe]YRTKVEQTAL

ClinVar aggregate classification (germline): Uncertain significance (1 of 4 stars; one submission).

Allele frequency attached by ClinVar (database versions not stated): gnomAD exomes below 0.00001; gnomAD 0.00001.

Submission:

Labcorp Genetics (formerly Invitae), Labcorp
Classification: Uncertain significance. Last evaluated: 2021-02-12. Review status: criteria provided, single submitter. Criteria: Invitae Variant Classification Sherloc (09022015). Collection method: clinical testing. Allele origin: germline.
Comment: In summary, the available evidence is currently insufficient to determine the role of this variant in disease. Therefore, it has been classified as a Variant of Uncertain Significance. Advanced modeling of protein sequence and biophysical properties (such as structural, functional, and spatial information, amino acid conservation, physicochemical variation, residue mobility, and thermodynamic stability) performed at Invitae indicates that this missense variant is expected to disrupt FBXL4 protein function. This variant has not been reported in the literature in individuals with FBXL4-related conditions. This variant is not present in population databases (ExAC no frequency). This sequence change replaces leucine with phenylalanine at codon 433 of the FBXL4 protein (p.Leu433Phe). The leucine residue is highly conserved and there is a small physicochemical difference between leucine and phenylalanine.